The following is an entry in ClinVar:

NM_016239.4(MYO15A):c.7500del (p.Thr2501fs)

Gene: MYO15A (myosin XVA; plus strand). Cytogenetic location: 17p11.2.
Variant type: Deletion.
Coding change: c.7500del on transcript NM_016239.4 (MANE Select); coding-DNA position 7500, one base deleted (G; older notation c.7500delG).
Protein change: p.Thr2501fs; shifts the reading frame from threonine 2501.
Molecular consequence: frameshift variant.
Genome position (GRCh38, 1-based): chr17:18,151,136, G deleted. VCF-style (leftmost placement, unchanged base first): chr17-18151135-CG-C. GRCh37 (hg19) VCF-style: chr17-18054449-CG-C.
Other names: short protein forms T2501fs.
Identifiers: ClinVar variation 817115 (VCV000817115.1), dbSNP rs1597803558, ClinGen allele CA915949628.

ClinVar aggregate classification (germline): Likely pathogenic (1 of 4 stars; one submission).

Submission:

GeneDx
Classification: Likely pathogenic. Last evaluated: 2018-07-02. Review status: criteria provided, single submitter. Criteria: GeneDx Variant Classification (06012015). Collection method: clinical testing. Allele origin: germline. Affected: yes.
Comment: The c.7500delG variant has not been published as a pathogenic variant, nor has it been reported as a benign variant to our knowledge. The variant is not observed in large population cohorts (Lek et al., 2016). It causes a frameshift starting with codon Threonine 2501, changes this amino acid to an Arginine residue and creates a premature Stop codon at position 3 of the new reading frame, denoted p.Thr2501ArgfsX3. This variant is predicted to cause loss of normal protein function either through protein truncation or nonsense-mediated mRNA decay. We consider this variant to be likely pathogenic.